The following is an entry in ClinVar:

ClinVar aggregate classification (germline): Benign/Likely benign. Review status: criteria provided, multiple submitters, no conflicts (2 of 4 stars). 9 submissions from 9 submitters: Benign (2); Likely benign (7). Last evaluated 2026-06-30.

Conditions:
17p11.2 microduplication syndrome (PTLS). Also called: CHROMOSOME 17p11.2 DUPLICATION SYNDROME; Potocki-Lupski syndrome; Duplication 17p11.2 syndrome; Potocki-Lupski syndrome (dup(17)(p11.2p11.2)). Identifiers: Orphanet 1713, MedGen C2931246, MONDO:0012574, OMIM 610883.
Familial spontaneous pneumothorax (PSP). Identifiers: Orphanet 2903, MedGen C1868193, MONDO:0008259, OMIM 173600.
Nonpapillary renal cell carcinoma. Identifiers: Orphanet 422526, MedGen CN074294, MONDO:0007763, OMIM 144700.
Colorectal cancer. Also called: Colorectal cancer, somatic; Malignant Colorectal Neoplasm. Identifiers: MedGen C0346629, MONDO:0005575, OMIM 114500.
Birt-Hogg-Dube syndrome. Also called: Birt Hogg Dubé syndrome. Identifiers: Orphanet 122, MedGen C0346010, MONDO:0800444.
Birt-Hogg-Dube syndrome 1 (BHD1). Also called: FIBROFOLLICULOMAS WITH TRICHODISCOMAS AND ACROCHORDONS. Identifiers: Orphanet 122, MedGen CN375946, MONDO:0800445, OMIM 135150.
FLCN-related disorder. Also called: FLCN-related condition.
Hereditary cancer-predisposing syndrome. Also called: Neoplastic Syndromes, Hereditary; Tumor predisposition; Hereditary Cancer Syndrome; Hereditary neoplastic syndrome. Identifiers: Orphanet 140162, MedGen C0027672, MeSH D009386, MONDO:0015356.

Allele frequency attached by ClinVar (database versions not stated): gnomAD 0.00001; TOPMed 0.00003; gnomAD exomes 0.00009; ExAC 0.00013; 1000 Genomes Project 30x 0.00016; 1000 Genomes Project 0.00020.

Submissions (9):

PreventionGenetics, part of Exact Sciences
Classification: Likely benign for FLCN-related condition. Last evaluated: 2026-06-30. Review status: criteria provided, single submitter. Criteria: ACMG Guidelines, 2015. Collection method: clinical testing. Allele origin: germline.
Comment: This variant is classified as likely benign based on ACMG/AMP sequence variant interpretation guidelines (Richards et al. 2015 PMID: 25741868, with internal and published modifications).

Labcorp Genetics (formerly Invitae), Labcorp
Classification: Likely benign for Birt-Hogg-Dube syndrome. Last evaluated: 2025-10-21. Review status: criteria provided, single submitter. Criteria: Invitae Variant Classification Sherloc (09022015). Collection method: clinical testing. Allele origin: germline.

Center for Genomic Medicine, Rigshospitalet, Copenhagen University Hospital
Classification: Likely benign. Last evaluated: 2025-03-04. Review status: criteria provided, single submitter. Criteria: ACMG Guidelines, 2015. Collection method: clinical testing. Allele origin: germline.

Myriad Genetics, Inc.
Classification: Benign for Birt-Hogg-Dube syndrome 1. Last evaluated: 2024-10-24. Review status: criteria provided, single submitter. Criteria: Myriad Autosomal Dominant, Autosomal Recessive and X-Linked Classification Criteria (2023). Collection method: clinical testing. Allele origin: unknown.
Comment: This variant is considered benign. This variant is a silent/synonymous amino acid change and it is not expected to impact splicing.

Blueprint Genetics
Classification: Likely benign. Last evaluated: 2023-12-28. Review status: criteria provided, single submitter. Criteria: ACMG Guidelines, 2015. Collection method: clinical testing. Allele origin: germline.

Quest Diagnostics Nichols Institute San Juan Capistrano
Classification: Benign. Last evaluated: 2023-05-02. Review status: criteria provided, single submitter. Criteria: Quest Diagnostics criteria. Collection method: clinical testing. Allele origin: unknown.

Fulgent Genetics
Classification: Likely benign for Colorectal cancer; Birt-Hogg-Dube syndrome 1; Nonpapillary renal cell carcinoma; Familial spontaneous pneumothorax; 17p11.2 microduplication syndrome. Last evaluated: 2021-11-06. Review status: criteria provided, single submitter. Criteria: ACMG Guidelines, 2015. Collection method: clinical testing. Allele origin: unknown.

GeneDx
Classification: Likely benign. Last evaluated: 2019-01-18. Review status: criteria provided, single submitter. Criteria: GeneDx Variant Classification Process June 2021. Collection method: clinical testing. Allele origin: germline. Affected: yes.

Ambry Genetics
Classification: Likely benign for Hereditary cancer-predisposing syndrome. Last evaluated: 2018-06-12. Review status: criteria provided, single submitter. Criteria: Ambry Variant Classification Scheme 2023. Collection method: clinical testing. Allele origin: germline.

NM_144997.7(FLCN):c.1227C>T (p.Tyr409=)

Gene: FLCN (folliculin; minus strand). Cytogenetic location: 17p11.2.
Variant type: single nucleotide variant.
Coding change: c.1227C>T on transcript NM_144997.7 (MANE Select); coding-DNA position 1227, C replaced by T.
Protein change: p.Tyr409=; no amino-acid change (tyrosine 409 retained).
Molecular consequence: synonymous variant.
Genome position (GRCh38, 1-based): chr17:17,216,453, G>A on the plus strand (C>T on the coding strand, the complement: FLCN is on the minus strand). VCF-style: chr17-17216453-G-A. GRCh37 (hg19) VCF-style: chr17-17119767-G-A.
Other names: c.1281C>T, p.Tyr427= (NM_001353229.2); c.1227C>T, p.Tyr409= (NM_001353230.2, NM_001353231.2); c.1227C>T (LRG_325t1, NM_144997.6).
Identifiers: ClinVar variation 389860 (VCV000389860.28), dbSNP rs561236067, ClinGen allele CA8416092.
Genomic context (GRCh38, chr17:17,216,453, plus strand): 5'-GTGGGGGGGGATCTGCACGTGCGGGCTGAGCCCCAGGAAGTTGCACCGATAGGCCTCCTC[G>A]TACTGGCTGCTGTATGGGATGATGCGGACGCAGCCCACGGGAAGCATGGTCTGAGGAGGA-3'
Protein context (NP_659434.2, residues 399-419): CVRIIPYSSQ[Tyr409=]EEAYRCNFLG